The following is an entry in ClinVar:

NM_000233.4(LHCGR):c.929A>C (p.Lys310Thr)

Genes: LHCGR (luteinizing hormone/choriogonadotropin receptor; minus strand), STON1-GTF2A1L (STON1-GTF2A1L readthrough; plus strand). Cytogenetic location: 2p16.3.
Variant type: single nucleotide variant.
Coding change: c.929A>C on transcript NM_000233.4 (MANE Select); coding-DNA position 929, A replaced by C.
Protein change: p.Lys310Thr; replaces lysine 310 with threonine.
Molecular consequence: missense variant. On other transcripts: intron variant (1).
Genome position (GRCh38, 1-based): chr2:48,694,242, T>G on the plus strand (A>C on the coding strand, the complement: LHCGR is on the minus strand). VCF-style: chr2-48694242-T-G. GRCh37 (hg19) VCF-style: chr2-48921381-T-G.
Other names: c.3441+22562T>G (NM_001198593.2); short protein forms K310T.
Identifiers: ClinVar variation 3354685 (VCV003354685.1).

ClinVar aggregate classification (germline): Uncertain significance (0 of 4 stars; one submission).

Conditions:
LHCGR-related disorder. Also called: LHCGR-related condition.

gnomAD v4.1: 11 of 1,587,562 alleles (0.00069%); highest among the groups gnomAD compares: Admixed American, 0.019%; no homozygotes.

Submission:

PreventionGenetics, part of Exact Sciences
Classification: Uncertain significance for LHCGR-related condition. Last evaluated: 2024-04-23. Review status: no assertion criteria provided. Collection method: clinical testing. Allele origin: germline.
Comment: The LHCGR c.929A>C variant is predicted to result in the amino acid substitution p.Lys310Thr. To our knowledge, this variant has not been reported in the literature. This variant is reported in 0.021% of alleles in individuals of Latino descent in gnomAD. At this time, the clinical significance of this variant is uncertain due to the absence of conclusive functional and genetic evidence.